The following is an entry in ClinVar:

NM_020831.6(MRTFA):c.1058C>T (p.Pro353Leu)

Gene: MRTFA (myocardin related transcription factor A; minus strand). Cytogenetic location: 22q13.1.
Variant type: single nucleotide variant.
Coding change: c.1058C>T on transcript NM_020831.6 (MANE Select); coding-DNA position 1058, C replaced by T.
Protein change: p.Pro353Leu; replaces proline 353 with leucine.
Molecular consequence: missense variant.
Genome position (GRCh38, 1-based): chr22:40,420,970, G>A on the plus strand (C>T on the coding strand, the complement: MRTFA is on the minus strand). VCF-style: chr22-40420970-G-A. GRCh37 (hg19) VCF-style: chr22-40816974-G-A.
Other names: c.758C>T, p.Pro253Leu (NM_001282660.2); c.908C>T, p.Pro303Leu (NM_001282661.3); c.1058C>T, p.Pro353Leu (NM_001282662.3); c.863C>T, p.Pro288Leu (NM_001318139.2); short protein forms P288L, P303L, P353L, P253L.
Identifiers: ClinVar variation 2780525 (VCV002780525.3), dbSNP rs769381372, ClinGen allele CA10249803.

ClinVar aggregate classification (germline): Uncertain significance (1 of 4 stars; one submission).

Allele frequency attached by ClinVar (database versions not stated): gnomAD exomes below 0.00001; ExAC 0.00001.

Submission:

Labcorp Genetics (formerly Invitae), Labcorp
Classification: Uncertain significance. Last evaluated: 2023-09-06. Review status: criteria provided, single submitter. Criteria: Invitae Variant Classification Sherloc (09022015). Collection method: clinical testing. Allele origin: germline.
Comment: In summary, the available evidence is currently insufficient to determine the role of this variant in disease. Therefore, it has been classified as a Variant of Uncertain Significance. This variant is present in population databases (rs769381372, gnomAD 0.0009%). An algorithm developed to predict the effect of missense changes on protein structure and function (PolyPhen-2) suggests that this variant is likely to be disruptive. This variant has not been reported in the literature in individuals affected with MKL1-related conditions. This sequence change replaces proline, which is neutral and non-polar, with leucine, which is neutral and non-polar, at codon 253 of the MKL1 protein (p.Pro253Leu).